The following is an entry in ClinVar:

ClinVar aggregate classification (germline): Uncertain significance (1 of 4 stars; one submission).

gnomAD v4.1: 1 of 1,613,208 alleles (0.000062%); highest among the groups gnomAD compares: Non-Finnish European, 0.000085%; no homozygotes.

Submission:

GeneDx
Classification: Uncertain significance. Last evaluated: 2026-03-06. Review status: criteria provided, single submitter. Criteria: GeneDx Variant Classification Process June 2021. Collection method: clinical testing. Allele origin: germline.
Comment: Not observed at significant frequency in large population cohorts (gnomAD); In silico analysis suggests that this missense variant does not alter protein structure/function; Has not been previously published as pathogenic or benign to our knowledge

NM_014633.5(CTR9):c.2783A>G (p.Asp928Gly)

Gene: CTR9 (CTR9 component of Paf1/RNA polymerase II complex; plus strand). Cytogenetic location: 11p15.4.
Variant type: single nucleotide variant.
Coding change: c.2783A>G on transcript NM_014633.5 (MANE Select); coding-DNA position 2783, A replaced by G.
Protein change: p.Asp928Gly; replaces aspartic acid 928 with glycine.
Molecular consequence: missense variant.
Genome position (GRCh38, 1-based): chr11:10,774,067, A>G. VCF-style: chr11-10774067-A-G. GRCh37 (hg19) VCF-style: chr11-10795614-A-G.
Other names: c.2711A>G, p.Asp904Gly (NM_001346279.2); short protein forms D928G, D904G.
Identifiers: ClinVar variation 5008624 (VCV005008624.1).
Genomic context (GRCh38, chr11:10,774,067, plus strand): 5'-TTTAGCGTTCTAAGAAGGGAGGAGAGTTTGATGAATTTGTCAATGATGACACTGATGATG[A>G]CCTACCTATATCCAAAAAGAAGAAGAGAAGAAAGGGTAGTGGCAGTGAACAAGAAGGTGA-3'
Protein context (NP_055448.1, residues 918-938): DEFVNDDTDD[Asp928Gly]LPISKKKKRR